The following is an entry in ClinVar:

ClinVar aggregate classification (germline): Uncertain significance. Review status: criteria provided, multiple submitters, no conflicts (2 of 4 stars). 3 submissions from 3 submitters: Uncertain significance (3). Last evaluated 2025-12-26.

Conditions:
Capillary malformation-arteriovenous malformation syndrome. Also called: Capillary malformation-arteriovenous malformation. Identifiers: Orphanet 137667, MedGen C1842180, MONDO:0012016.
Cardiovascular phenotype. Identifiers: MedGen CN230736.

Allele frequency attached by ClinVar (database versions not stated): gnomAD exomes below 0.00001; gnomAD 0.00001; ExAC 0.00001; TOPMed 0.00003.
gnomAD v4.1: 3 of 1,613,628 alleles (0.00019%); highest among the groups gnomAD compares: African/African-American, 0.0027%; no homozygotes.

Submissions (3):

Ambry Genetics
Classification: Uncertain significance for Cardiovascular phenotype. Last evaluated: 2025-12-26. Review status: criteria provided, single submitter. Criteria: Ambry Variant Classification Scheme 2023. Collection method: clinical testing. Allele origin: germline.
Comment: The p.S724N variant (also known as c.2171G>A), located in coding exon 16 of the RASA1 gene, results from a G to A substitution at nucleotide position 2171. The serine at codon 724 is replaced by asparagine, an amino acid with highly similar properties. This amino acid position is conserved. In addition, this alteration is predicted to be tolerated by in silico analysis. Based on the available evidence, the clinical significance of this variant remains unclear.

Labcorp Genetics (formerly Invitae), Labcorp
Classification: Uncertain significance for Capillary malformation-arteriovenous malformation syndrome. Last evaluated: 2024-12-24. Review status: criteria provided, single submitter. Criteria: Invitae Variant Classification Sherloc (09022015). Collection method: clinical testing. Allele origin: germline.
Comment: This sequence change replaces serine, which is neutral and polar, with asparagine, which is neutral and polar, at codon 724 of the RASA1 protein (p.Ser724Asn). This variant is present in population databases (rs749550641, gnomAD 0.01%). This variant has not been reported in the literature in individuals affected with RASA1-related conditions. ClinVar contains an entry for this variant (Variation ID: 1024315). An algorithm developed to predict the effect of missense changes on protein structure and function (PolyPhen-2) suggests that this variant is likely to be tolerated. In summary, the available evidence is currently insufficient to determine the role of this variant in disease. Therefore, it has been classified as a Variant of Uncertain Significance.

Greenwood Genetic Center Diagnostic Laboratories, Greenwood Genetic Center
Classification: Uncertain significance. Last evaluated: 2024-10-27. Review status: criteria provided, single submitter. Criteria: ACMG Guidelines, 2015. Collection method: clinical testing. Allele origin: germline. Affected: yes.
Comment: PM2, BP4, PP2

NM_002890.3(RASA1):c.2171G>A (p.Ser724Asn)

Genes: CCNH (cyclin H; minus strand), RASA1 (RAS p21 protein activator 1; plus strand). Cytogenetic location: 5q14.3.
Variant type: single nucleotide variant.
Coding change: c.2171G>A on transcript NM_002890.3 (MANE Select); coding-DNA position 2171, G replaced by A.
Protein change: p.Ser724Asn; replaces serine 724 with asparagine.
Molecular consequence: missense variant. On other transcripts: intron variant (1).
Genome position (GRCh38, 1-based): chr5:87,376,552, G>A. VCF-style: chr5-87376552-G-A. GRCh37 (hg19) VCF-style: chr5-86672369-G-A.
Other names: c.1640G>A, p.Ser547Asn (NM_022650.3); c.933+18492C>T (NM_001364075.2); short protein forms S547N, S724N.
Identifiers: ClinVar variation 1024315 (VCV001024315.11), dbSNP rs749550641, ClinGen allele CA3335930.